The following is an entry in ClinVar:

ClinVar aggregate classification (germline): Uncertain significance (1 of 4 stars; one submission).

Submission:

GeneDx
Classification: Uncertain significance. Last evaluated: 2023-11-09. Review status: criteria provided, single submitter. Criteria: GeneDx Variant Classification Process June 2021. Collection method: clinical testing. Allele origin: germline. Affected: yes.
Comment: Not observed at significant frequency in large population cohorts (gnomAD); In silico analysis supports that this missense variant has a deleterious effect on protein structure/function; Has not been previously published as pathogenic or benign to our knowledge

NM_001375524.1(TRRAP):c.8257G>A (p.Asp2753Asn)

Gene: TRRAP (transformation/transcription domain associated protein; plus strand). Cytogenetic location: 7q22.1.
Variant type: single nucleotide variant.
Coding change: c.8257G>A on transcript NM_001375524.1 (MANE Select); coding-DNA position 8257, G replaced by A.
Protein change: p.Asp2753Asn; replaces aspartic acid 2753 with asparagine.
Molecular consequence: missense variant.
Genome position (GRCh38, 1-based): chr7:98,976,948, G>A. VCF-style: chr7-98976948-G-A. GRCh37 (hg19) VCF-style: chr7-98574571-G-A.
Other names: c.8236G>A, p.Asp2746Asn (NM_001244580.2); c.8182G>A, p.Asp2728Asn (NM_003496.4); short protein forms D2728N, D2746N, D2753N.
Identifiers: ClinVar variation 3364269 (VCV003364269.1).